The following is an entry in ClinVar:

ClinVar aggregate classification (germline): Uncertain significance. Review status: criteria provided, multiple submitters, no conflicts (2 of 4 stars). 2 submissions from 2 submitters: Uncertain significance (2). Last evaluated 2021-12-21.

Conditions:
Microcephaly, normal intelligence and immunodeficiency (NBS). Also called: BERLIN BREAKAGE SYNDROME; IMMUNODEFICIENCY, MICROCEPHALY, AND CHROMOSOMAL INSTABILITY; Microcephaly with normal intelligence immunodeficiency and lymphoreticular malignancies; Nonsyndromal microcephaly autosomal recessive with normal intelligence; Seemanova syndrome 2; SEEMANOVA SYNDROME II. Identifiers: Orphanet 647, MedGen C0398791, MONDO:0009623, OMIM 251260.

Submissions (2):

Labcorp Genetics (formerly Invitae), Labcorp
Classification: Uncertain significance for Microcephaly, normal intelligence and immunodeficiency. Last evaluated: 2021-12-21. Review status: criteria provided, single submitter. Criteria: Invitae Variant Classification Sherloc (09022015). Collection method: clinical testing. Allele origin: germline.
Comment: In summary, the available evidence is currently insufficient to determine the role of this variant in disease. Therefore, it has been classified as a Variant of Uncertain Significance. Algorithms developed to predict the effect of missense changes on protein structure and function (SIFT, PolyPhen-2, Align-GVGD) all suggest that this variant is likely to be tolerated. ClinVar contains an entry for this variant (Variation ID: 1202437). This variant has not been reported in the literature in individuals affected with NBN-related conditions. This variant is not present in population databases (gnomAD no frequency). This sequence change replaces aspartic acid, which is acidic and polar, with histidine, which is basic and polar, at codon 554 of the NBN protein (p.Asp554His).

GeneDx
Classification: Uncertain significance. Last evaluated: 2021-01-29. Review status: criteria provided, single submitter. Criteria: GeneDx Variant Classification Process June 2021. Collection method: clinical testing. Allele origin: germline. Affected: yes.
Comment: Not observed in large population cohorts (Lek 2016); In silico analysis supports that this missense variant does not alter protein structure/function; Has not been previously published as pathogenic or benign to our knowledge

NM_002485.5(NBN):c.1660G>C (p.Asp554His)

Gene: NBN (nibrin; minus strand). Cytogenetic location: 8q21.3.
Variant type: single nucleotide variant.
Coding change: c.1660G>C on transcript NM_002485.5 (MANE Select); coding-DNA position 1660, G replaced by C.
Protein change: p.Asp554His; replaces aspartic acid 554 with histidine.
Molecular consequence: missense variant.
Genome position (GRCh38, 1-based): chr8:89,953,429, C>G on the plus strand (G>C on the coding strand, the complement: NBN is on the minus strand). VCF-style: chr8-89953429-C-G. GRCh37 (hg19) VCF-style: chr8-90965657-C-G.
Other names: c.1414G>C, p.Asp472His (NM_001024688.3); short protein forms D472H, D554H.
Identifiers: ClinVar variation 1202437 (VCV001202437.11), dbSNP rs1554558349, ClinGen allele CA371655377.